The following is an entry in ClinVar:

NM_001232.4(CASQ2):c.683C>G (p.Pro228Arg)

Gene: CASQ2 (calsequestrin 2; minus strand). Cytogenetic location: 1p13.1.
Variant type: single nucleotide variant.
Coding change: c.683C>G on transcript NM_001232.4 (MANE Select); coding-DNA position 683, C replaced by G.
Protein change: p.Pro228Arg; replaces proline 228 with arginine.
Molecular consequence: missense variant.
Genome position (GRCh38, 1-based): chr1:115,727,046, G>C on the plus strand (C>G on the coding strand, the complement: CASQ2 is on the minus strand). VCF-style: chr1-115727046-G-C. GRCh37 (hg19) VCF-style: chr1-116269667-G-C.
Other names: short protein forms P228R.
Identifiers: ClinVar variation 1359902 (VCV001359902.9), dbSNP rs2101079136, ClinGen allele CA341768732.

ClinVar aggregate classification (germline): Uncertain significance (1 of 4 stars; one submission).

Conditions:
Catecholaminergic polymorphic ventricular tachycardia 1. Also called: RYR2-Related Catecholaminergic Polymorphic Ventricular Tachycardia; VENTRICULAR TACHYCARDIA, CATECHOLAMINERGIC POLYMORPHIC, 1, WITH OR WITHOUT ATRIAL DYSFUNCTION AND/OR DILATED CARDIOMYOPATHY; VENTRICULAR TACHYCARDIA, STRESS-INDUCED POLYMORPHIC 1. Identifiers: Orphanet 3286, MedGen C1631597, MONDO:0011484, OMIM 604772.

Submission:

Labcorp Genetics (formerly Invitae), Labcorp
Classification: Uncertain significance for Catecholaminergic polymorphic ventricular tachycardia 1. Last evaluated: 2022-03-08. Review status: criteria provided, single submitter. Criteria: Invitae Variant Classification Sherloc (09022015). Collection method: clinical testing. Allele origin: germline.
Comment: This sequence change replaces proline, which is neutral and non-polar, with arginine, which is basic and polar, at codon 228 of the CASQ2 protein (p.Pro228Arg). This variant is not present in population databases (gnomAD no frequency). In summary, the available evidence is currently insufficient to determine the role of this variant in disease. Therefore, it has been classified as a Variant of Uncertain Significance. Algorithms developed to predict the effect of missense changes on protein structure and function (SIFT, PolyPhen-2, Align-GVGD) all suggest that this variant is likely to be disruptive. This variant has not been reported in the literature in individuals affected with CASQ2-related conditions.